The following is an entry in ClinVar:

ClinVar aggregate classification (germline): Likely pathogenic (1 of 4 stars; one submission).

Submission:

Labcorp Genetics (formerly Invitae), Labcorp
Classification: Likely pathogenic. Last evaluated: 2024-03-19. Review status: criteria provided, single submitter. Criteria: Invitae Variant Classification Sherloc (09022015). Collection method: clinical testing. Allele origin: germline.
Comment: This sequence change replaces glycine, which is neutral and non-polar, with alanine, which is neutral and non-polar, at codon 663 of the COL2A1 protein (p.Gly663Ala). This variant is not present in population databases (gnomAD no frequency). This variant has not been reported in the literature in individuals affected with COL2A1-related conditions. Advanced modeling of protein sequence and biophysical properties (such as structural, functional, and spatial information, amino acid conservation, physicochemical variation, residue mobility, and thermodynamic stability) performed at Invitae indicates that this missense variant is expected to disrupt COL2A1 protein function with a positive predictive value of 95%. This variant disrupts the triple helix domain of COL2A1. Glycine residues within the Gly-Xaa-Yaa repeats of the triple helix domain are required for the structure and stability of fibrillar collagens (PMID: 7695699, 8218237, 19344236). In COL2A1, variants affecting these glycine residues are significantly enriched in individuals with disease (PMID: 9016532, 17078022) compared to the general population (ExAC). In summary, the currently available evidence indicates that the variant is pathogenic, but additional data are needed to prove that conclusively. Therefore, this variant has been classified as Likely Pathogenic.

Literature cited by the submitters: PubMed 7695699; PubMed 8218237; PubMed 19344236; PubMed 9016532; PubMed 17078022.

NM_001844.5(COL2A1):c.1988G>C (p.Gly663Ala)

Gene: COL2A1 (collagen type II alpha 1 chain; minus strand). Cytogenetic location: 12q13.11.
Variant type: single nucleotide variant.
Coding change: c.1988G>C on transcript NM_001844.5 (MANE Select); coding-DNA position 1988, G replaced by C.
Protein change: p.Gly663Ala; replaces glycine 663 with alanine.
Molecular consequence: missense variant.
Genome position (GRCh38, 1-based): chr12:47,983,690, C>G on the plus strand (G>C on the coding strand, the complement: COL2A1 is on the minus strand). VCF-style: chr12-47983690-C-G. GRCh37 (hg19) VCF-style: chr12-48377473-C-G.
Other names: c.1781G>C, p.Gly594Ala (NM_033150.3); short protein forms G594A, G663A.
Identifiers: ClinVar variation 3639733 (VCV003639733.2).